The following is an entry in ClinVar:

ClinVar aggregate classification (germline): Uncertain significance (1 of 4 stars; one submission).

Conditions:
Fanconi anemia complementation group Q. Identifiers: Orphanet 84, MedGen C3808988, MONDO:0014108, OMIM 615272.
Xeroderma pigmentosum, group F (XPF). Also called: XERODERMA PIGMENTOSUM, COMPLEMENTATION GROUP F; XERODERMA PIGMENTOSUM VI; XP, GROUP F; ERCC4-Related Xeroderma Pigmentosum; XERODERMA PIGMENTOSUM, TYPE F; Xeroderma pigmentosum, type 6. Identifiers: MedGen C0268140, MONDO:0010215, OMIM 278760.
Cockayne syndrome. Identifiers: Orphanet 191, MedGen C0009207, MONDO:0016006.

gnomAD v4.1: 1 of 1,613,976 alleles (0.000062%); highest among the groups gnomAD compares: East Asian, 0.0022%; no homozygotes.

Submission:

Labcorp Genetics (formerly Invitae), Labcorp
Classification: Uncertain significance for Fanconi anemia complementation group Q; Xeroderma pigmentosum, group F; Cockayne syndrome. Last evaluated: 2020-10-25. Review status: criteria provided, single submitter. Criteria: Invitae Variant Classification Sherloc (09022015). Collection method: clinical testing. Allele origin: germline.
Comment: In summary, the available evidence is currently insufficient to determine the role of this variant in disease. Therefore, it has been classified as a Variant of Uncertain Significance. Algorithms developed to predict the effect of missense changes on protein structure and function output the following: SIFT: "Tolerated"; PolyPhen-2: "Benign"; Align-GVGD: "Class C0". The lysine amino acid residue is found in multiple mammalian species, suggesting that this missense change does not adversely affect protein function. These predictions have not been confirmed by published functional studies and their clinical significance is uncertain. This variant has not been reported in the literature in individuals with ERCC4-related conditions. This variant is not present in population databases (ExAC no frequency). This sequence change replaces arginine with lysine at codon 135 of the ERCC4 protein (p.Arg135Lys). The arginine residue is moderately conserved and there is a small physicochemical difference between arginine and lysine.

NM_005236.3(ERCC4):c.404G>A (p.Arg135Lys)

Gene: ERCC4 (ERCC excision repair 4, endonuclease catalytic subunit; plus strand). Cytogenetic location: 16p13.12.
Variant type: single nucleotide variant.
Coding change: c.404G>A on transcript NM_005236.3 (MANE Select); coding-DNA position 404, G replaced by A.
Protein change: p.Arg135Lys; replaces arginine 135 with lysine.
Molecular consequence: missense variant.
Genome position (GRCh38, 1-based): chr16:13,926,576, G>A. VCF-style: chr16-13926576-G-A. GRCh37 (hg19) VCF-style: chr16-14020433-G-A.
Other names: short protein forms R135K.
Identifiers: ClinVar variation 1043957 (VCV001043957.8), dbSNP rs772606808, ClinGen allele CA394819531.